The following is an entry in ClinVar:

ClinVar aggregate classification (germline): Uncertain significance (1 of 4 stars; one submission).

Conditions:
Developmental and epileptic encephalopathy, 54. Also called: Epileptic encephalopathy, early infantile, 54; HNRNPU-Related Neurodevelopmental Disorder. Identifiers: MedGen C4479319, MONDO:0033363, OMIM 617391.

Submission:

Labcorp Genetics (formerly Invitae), Labcorp
Classification: Uncertain significance for Developmental and epileptic encephalopathy, 54. Last evaluated: 2024-04-05. Review status: criteria provided, single submitter. Criteria: Invitae Variant Classification Sherloc (09022015). Collection method: clinical testing. Allele origin: germline.
Comment: This variant, c.276_281dup, results in the insertion of 2 amino acid(s) of the HNRNPU protein (p.Glu93_Glu94dup), but otherwise preserves the integrity of the reading frame. This variant is present in population databases (rs749084511, gnomAD 0.005%). This variant has not been reported in the literature in individuals affected with HNRNPU-related conditions. ClinVar contains an entry for this variant (Variation ID: 659189). Experimental studies and prediction algorithms are not available or were not evaluated, and the functional significance of this variant is currently unknown. In summary, the available evidence is currently insufficient to determine the role of this variant in disease. Therefore, it has been classified as a Variant of Uncertain Significance.

NM_031844.3(HNRNPU):c.273GGA[5] (p.Glu93_Glu94dup)

Gene: HNRNPU (heterogeneous nuclear ribonucleoprotein U; minus strand). Cytogenetic location: 1q44.
Variant type: Microsatellite.
Coding change: c.273GGA[5] on transcript NM_031844.3 (MANE Select); five copies in a row of the 3-base unit GGA starting at c.273; the reference has three copies in a row; two copies, 6 bases duplicated.
Protein change: p.Glu93_Glu94dup.
Molecular consequence: inframe insertion.
Genome position (GRCh38, 1-based): chr1:244,864,027-244,864,032, TCCTCC duplicated on the plus strand (GGAGGA on the coding strand, the reverse complement: HNRNPU is on the minus strand); duplicating any 6 consecutive bases within chr1:244,864,027-244,864,037 gives the same sequence; the position shown is the placement nearest the transcript's 3' end. VCF-style (leftmost placement, unchanged base first): chr1-244864026-T-TTCCTCC. GRCh37 (hg19) VCF-style: chr1-245027328-T-TTCCTCC.
Other names: c.273GGA[5], p.Glu93_Glu94dup (NM_004501.3).
Identifiers: ClinVar variation 659189 (VCV000659189.9), dbSNP rs749084511, ClinGen allele CA1486831.